The following is an entry in ClinVar:

NM_020461.4(TUBGCP6):c.3262A>G (p.Ile1088Val)

Gene: TUBGCP6 (tubulin gamma complex component 6; minus strand). Cytogenetic location: 22q13.33.
Variant type: single nucleotide variant.
Coding change: c.3262A>G on transcript NM_020461.4 (MANE Select); coding-DNA position 3262, A replaced by G.
Protein change: p.Ile1088Val; replaces isoleucine 1088 with valine.
Molecular consequence: missense variant.
Genome position (GRCh38, 1-based): chr22:50,221,097, T>C on the plus strand (A>G on the coding strand, the complement: TUBGCP6 is on the minus strand). VCF-style: chr22-50221097-T-C. GRCh37 (hg19) VCF-style: chr22-50659526-T-C.
Other names: c.3262A>G (NM_020461.3); short protein forms I1088V.
Identifiers: ClinVar variation 1954880 (VCV001954880.3), dbSNP rs368478289, ClinGen allele CA325512418.
Genomic context (GRCh38, chr22:50,221,097, plus strand): 5'-CATGGATGTTCCACCGTGGCCGAGTGGGAGCCACATCTGACACAGACTCCCCTAAGCTGA[T>C]GCTGGCATTGGATACGTGTCCGTGGGTGTTCCACCGTGGCTGGGTGGGAGCCACATCTGA-3'
Protein context (NP_065194.3, residues 1078-1098): NTHGHVSNAS[Ile1088Val]SLGESVSDVA

ClinVar aggregate classification (germline): Uncertain significance. Review status: criteria provided, multiple submitters, no conflicts (2 of 4 stars). 2 submissions from 2 submitters: Uncertain significance (2). Last evaluated 2025-09-11.

Conditions:
Inborn genetic diseases. Identifiers: MedGen C0950123, MeSH D030342.

Allele frequency attached by ClinVar (database versions not stated): gnomAD exomes 0.00001.
gnomAD v4.1: 8 of 1,612,324 alleles (0.0005%); highest among the groups gnomAD compares: Non-Finnish European, 0.00051%; no homozygotes.

Submissions (2):

Ambry Genetics
Classification: Uncertain significance for Inborn genetic diseases. Last evaluated: 2025-09-11. Review status: criteria provided, single submitter. Criteria: Ambry Variant Classification Scheme 2023. Collection method: clinical testing. Allele origin: germline.

Labcorp Genetics (formerly Invitae), Labcorp
Classification: Uncertain significance. Last evaluated: 2022-07-19. Review status: criteria provided, single submitter. Criteria: Invitae Variant Classification Sherloc (09022015). Collection method: clinical testing. Allele origin: germline.
Comment: This sequence change replaces isoleucine, which is neutral and non-polar, with valine, which is neutral and non-polar, at codon 1088 of the TUBGCP6 protein (p.Ile1088Val). This variant is not present in population databases (gnomAD no frequency). This variant has not been reported in the literature in individuals affected with TUBGCP6-related conditions. Algorithms developed to predict the effect of missense changes on protein structure and function output the following: SIFT: "Deleterious"; PolyPhen-2: "Benign"; Align-GVGD: "Class C0". The valine amino acid residue is found in multiple mammalian species, which suggests that this missense change does not adversely affect protein function. In summary, the available evidence is currently insufficient to determine the role of this variant in disease. Therefore, it has been classified as a Variant of Uncertain Significance.